The following is an entry in ClinVar:

ClinVar aggregate classification (germline): Uncertain significance (1 of 4 stars; one submission).

Conditions:
Charcot-Marie-Tooth disease dominant intermediate B (CMTDIB). Also called: CHARCOT-MARIE-TOOTH NEUROPATHY, DOMINANT INTERMEDIATE B; Charcot-Marie-Tooth disease dominant intermediate 1; CMT DI1; Charcot-Marie-Tooth disease dominant intermediate I. Identifiers: Orphanet 100044, Orphanet 228179, MedGen C1847902, MONDO:0011674, OMIM 606482.

Submission:

Labcorp Genetics (formerly Invitae), Labcorp
Classification: Uncertain significance for Charcot-Marie-Tooth disease dominant intermediate B. Last evaluated: 2025-04-02. Review status: criteria provided, single submitter. Criteria: Invitae Variant Classification Sherloc (09022015). Collection method: clinical testing. Allele origin: germline.
Comment: This sequence change falls in intron 13 of the DNM2 gene. It does not directly change the encoded amino acid sequence of the DNM2 protein. It affects a nucleotide within the consensus splice site. This variant is not present in population databases (gnomAD no frequency). This variant has not been reported in the literature in individuals affected with DNM2-related conditions. Variants that disrupt the consensus splice site are a relatively common cause of aberrant splicing (PMID: 17576681, 9536098). Algorithms developed to predict the effect of sequence changes on RNA splicing suggest that this variant is not likely to affect RNA splicing. In summary, the available evidence is currently insufficient to determine the role of this variant in disease. Therefore, it has been classified as a Variant of Uncertain Significance.

Literature cited by the submitters: PubMed 17576681; PubMed 9536098.

NM_001005361.3(DNM2):c.1545+4G>A

Gene: DNM2 (dynamin 2; plus strand). Cytogenetic location: 19p13.2.
Variant type: single nucleotide variant.
Coding change: c.1545+4G>A on transcript NM_001005361.3 (MANE Select); 4 bases into the intron after coding-DNA position 1545, G replaced by A.
Molecular consequence: intron variant.
Genome position (GRCh38, 1-based): chr19:10,805,971, G>A. VCF-style: chr19-10805971-G-A. GRCh37 (hg19) VCF-style: chr19-10916647-G-A.
Other names: c.1545+4G>A (NM_001005360.3, NM_001190716.2, NM_004945.4 and 1 more transcripts).
Identifiers: ClinVar variation 4716247 (VCV004716247.1).